The following is an entry in ClinVar:

NM_002317.7(LOX):c.1254G>C (p.Ter418Tyr)

Genes: LOX (lysyl oxidase; minus strand), SRFBP1 (serum response factor binding protein 1; plus strand). Cytogenetic location: 5q23.1.
Variant type: single nucleotide variant.
Coding change: c.1254G>C on transcript NM_002317.7 (MANE Select); coding-DNA position 1254, G replaced by C.
Protein change: p.Ter418Tyr.
Molecular consequence: stop lost.
Genome position (GRCh38, 1-based): chr5:122,066,743, C>G on the plus strand (G>C on the coding strand, the complement: LOX is on the minus strand). VCF-style: chr5-122066743-C-G. GRCh37 (hg19) VCF-style: chr5-121402438-C-G.
Other names: c.564G>C, p.Ter188Tyr (NM_001178102.2); c.363G>C, p.Ter121Tyr (NM_001317073.1).
Identifiers: ClinVar variation 2000823 (VCV002000823.4), dbSNP rs1345801845, ClinGen allele CA360879698.

ClinVar aggregate classification (germline): Uncertain significance (1 of 4 stars; one submission).

Submission:

Labcorp Genetics (formerly Invitae), Labcorp
Classification: Uncertain significance. Last evaluated: 2022-07-14. Review status: criteria provided, single submitter. Criteria: Invitae Variant Classification Sherloc (09022015). Collection method: clinical testing. Allele origin: germline.
Comment: This variant is not present in population databases (gnomAD no frequency). This sequence change disrupts the translational stop signal of the LOX mRNA. It is expected to extend the length of the LOX protein by 16 additional amino acid residues. In summary, the available evidence is currently insufficient to determine the role of this variant in disease. Therefore, it has been classified as a Variant of Uncertain Significance. This variant has not been reported in the literature in individuals affected with LOX-related conditions.